The following is an entry in ClinVar:

NM_005450.6(NOG):c.7C>A (p.Arg3Ser)

Gene: NOG (noggin; plus strand). Cytogenetic location: 17q22.
Variant type: single nucleotide variant.
Coding change: c.7C>A on transcript NM_005450.6 (MANE Select); coding-DNA position 7, C replaced by A.
Protein change: p.Arg3Ser; replaces arginine 3 with serine.
Molecular consequence: missense variant.
Genome position (GRCh38, 1-based): chr17:56,594,230, C>A. VCF-style: chr17-56594230-C-A. GRCh37 (hg19) VCF-style: chr17-54671591-C-A.
Other names: short protein forms R3S.
Identifiers: ClinVar variation 4808458 (VCV004808458.1).

ClinVar aggregate classification (germline): Uncertain significance (1 of 4 stars; one submission).

Submission:

Labcorp Genetics (formerly Invitae), Labcorp
Classification: Uncertain significance. Last evaluated: 2025-12-30. Review status: criteria provided, single submitter. Criteria: Invitae Variant Classification Sherloc (09022015). Collection method: clinical testing. Allele origin: germline.
Comment: This sequence change replaces arginine, which is basic and polar, with serine, which is neutral and polar, at codon 3 of the NOG protein (p.Arg3Ser). This variant is not present in population databases (gnomAD no frequency). This variant has not been reported in the literature in individuals affected with NOG-related conditions. An algorithm developed to predict the effect of missense changes on protein structure and function (PolyPhen-2) suggests that this variant is likely to be tolerated. In summary, the available evidence is currently insufficient to determine the role of this variant in disease. Therefore, it has been classified as a Variant of Uncertain Significance.